The following is an entry in ClinVar:

NM_032242.4(PLXNA1):c.2314-2A>G

Gene: PLXNA1 (plexin A1; plus strand). Cytogenetic location: 3q21.3.
Variant type: single nucleotide variant.
Coding change: c.2314-2A>G on transcript NM_032242.4 (MANE Select); the canonical splice acceptor site of the intron before coding-DNA position 2314, A replaced by G.
Molecular consequence: splice acceptor variant.
Genome position (GRCh38, 1-based): chr3:127,014,018, A>G. VCF-style: chr3-127014018-A-G. GRCh37 (hg19) VCF-style: chr3-126732861-A-G.
Identifiers: ClinVar variation 4992838 (VCV004992838.1).

ClinVar aggregate classification (germline): Uncertain significance (1 of 4 stars; one submission).

Conditions:
PLXNA1-related disorder. Also called: PLXNA1-related condition.

Submission:

PreventionGenetics, part of Exact Sciences
Classification: Uncertain significance for PLXNA1-related condition. Last evaluated: 2025-09-03. Review status: criteria provided, single submitter. Criteria: ACMG Guidelines, 2015. Collection method: clinical testing. Allele origin: germline.
Comment: The PLXNA1 c.2314-2A>G variant is predicted to disrupt the AG splice acceptor site and interfere with normal splicing. To our knowledge, this variant has not been reported in the literature or in a large population database (gnomAD), indicating this variant is rare. Loss-of-function has not been established as a disease mechanism for this gene. Although we suspect that this variant may be pathogenic, at this time, the clinical significance of this variant is uncertain due to the absence of conclusive functional and genetic evidence.